The following is an entry in ClinVar:

NM_003482.4(KMT2D):c.3355G>T (p.Gly1119Trp)

Gene: KMT2D (lysine methyltransferase 2D; minus strand). Cytogenetic location: 12q13.12.
Variant type: single nucleotide variant.
Coding change: c.3355G>T on transcript NM_003482.4 (MANE Select); coding-DNA position 3355, G replaced by T.
Protein change: p.Gly1119Trp; replaces glycine 1119 with tryptophan.
Molecular consequence: missense variant.
Genome position (GRCh38, 1-based): chr12:49,050,233, C>A on the plus strand (G>T on the coding strand, the complement: KMT2D is on the minus strand). VCF-style: chr12-49050233-C-A. GRCh37 (hg19) VCF-style: chr12-49444016-C-A.
Other names: short protein forms G1119W.
Identifiers: ClinVar variation 3635161 (VCV003635161.2).
Genomic context (GRCh38, chr12:49,050,233, plus strand): 5'-GTCCAGGCTCTGGCTGTGAACCCGGAGCATCAATCCCATCCAGAGGGGCTGTGTCTTCCC[C>A]TAGGCCAGAGAAGTCATCCAGGGCTGGGGCAGGGCTGGGGGCGGGGCAGGAAAGGTCCCC-3'
Protein context (NP_003473.3, residues 1109-1129): APALDDFSGL[Gly1119Trp]EDTAPLDGID

ClinVar aggregate classification (germline): Uncertain significance (1 of 4 stars; one submission).

Conditions:
Kabuki syndrome. Also called: NIIKAWA-KUROKI SYNDROME; Kabuki make-up syndrome. Identifiers: Orphanet 2322, MedGen C0796004, MONDO:0016512.

Submission:

Labcorp Genetics (formerly Invitae), Labcorp
Classification: Uncertain significance for Kabuki syndrome. Last evaluated: 2024-04-22. Review status: criteria provided, single submitter. Criteria: Invitae Variant Classification Sherloc (09022015). Collection method: clinical testing. Allele origin: germline.
Comment: This sequence change replaces glycine, which is neutral and non-polar, with tryptophan, which is neutral and slightly polar, at codon 1119 of the KMT2D protein (p.Gly1119Trp). This variant is not present in population databases (gnomAD no frequency). This variant has not been reported in the literature in individuals affected with KMT2D-related conditions. Advanced modeling of protein sequence and biophysical properties (such as structural, functional, and spatial information, amino acid conservation, physicochemical variation, residue mobility, and thermodynamic stability) performed at Invitae indicates that this missense variant is not expected to disrupt KMT2D protein function with a negative predictive value of 95%. In summary, the available evidence is currently insufficient to determine the role of this variant in disease. Therefore, it has been classified as a Variant of Uncertain Significance.